The following is an entry in ClinVar:

NM_001374736.1(DST):c.18456A>G (p.Gln6152=)

Gene: DST (dystonin; minus strand). Cytogenetic location: 6p12.1.
Variant type: single nucleotide variant.
Coding change: c.18456A>G on transcript NM_001374736.1 (MANE Select); coding-DNA position 18456, A replaced by G.
Protein change: p.Gln6152=; no amino-acid change (glutamine 6152 retained).
Molecular consequence: synonymous variant.
Genome position (GRCh38, 1-based): chr6:56,515,570, T>C on the plus strand (A>G on the coding strand, the complement: DST is on the minus strand). VCF-style: chr6-56515570-T-C. GRCh37 (hg19) VCF-style: chr6-56380368-T-C.
Other names: c.12099A>G, p.Gln4033= (NM_001144769.5); c.11685A>G, p.Gln3895= (NM_001144770.2); c.18456A>G, p.Gln6152= (NM_001374722.1); c.17496A>G, p.Gln5832= (NM_001374729.1); c.11238A>G, p.Gln3746= (NM_001374730.1); c.18483A>G, p.Gln6161= (NM_001374734.1); c.11565A>G, p.Gln3855= (NM_001386100.1, NM_183380.4); c.10587A>G, p.Gln3529= (NM_015548.5).
Identifiers: ClinVar variation 2151067 (VCV002151067.2), dbSNP rs574512809, ClinGen allele CA3867200.

ClinVar aggregate classification (germline): Uncertain significance (1 of 4 stars; one submission).

Conditions:
Hereditary sensory and autonomic neuropathy type 6. Also called: HSAN VI; Neuropathy, hereditary sensory and autonomic, type VI. Identifiers: Orphanet 314381, MedGen C3539003, MONDO:0013839, OMIM 614653.
Epidermolysis bullosa simplex 3, localized or generalized intermediate, with BP230 deficiency (EBS3). Also called: Epidermolysis bullosa simplex due to BP230 deficiency; Epidermolysis bullosa simplex, autosomal recessive 2. Identifiers: Orphanet 412181, MedGen C3809470, MONDO:0014180, OMIM 615425.

Allele frequency attached by ClinVar (database versions not stated): gnomAD exomes below 0.00001; gnomAD 0.00001; TOPMed 0.00002; ExAC 0.00003; 1000 Genomes Project 30x 0.00016; 1000 Genomes Project 0.00020.
gnomAD v4.1: 8 of 1,613,932 alleles (0.0005%); highest among the groups gnomAD compares: African/African-American, 0.004%; no homozygotes.

Submission:

Labcorp Genetics (formerly Invitae), Labcorp
Classification: Uncertain significance for Epidermolysis bullosa simplex 3, localized or generalized intermediate, with BP230 deficiency; Hereditary sensory and autonomic neuropathy type 6. Last evaluated: 2026-01-29. Review status: criteria provided, single submitter. Criteria: Invitae Variant Classification Sherloc (09022015). Collection method: clinical testing. Allele origin: germline.
Comment: The DST gene has multiple clinically relevant transcripts. This variant occurs in alternate transcript NM_015548.4, and corresponds to NM_001723.5:c.*99947A>G in the primary transcript. This sequence change affects codon 3529 of the DST mRNA. It is a 'silent' change, meaning that it does not change the encoded amino acid sequence of the DST protein. This variant is present in population databases (rs574512809, gnomAD 0.01%). This variant has not been reported in the literature in individuals affected with DST-related conditions. Experimental studies and prediction algorithms are not available or were not evaluated, and the effect of this variant on mRNA splicing is currently unknown. In summary, the available evidence is currently insufficient to determine the role of this variant in disease. Therefore, it has been classified as a Variant of Uncertain Significance.